The following is an entry in ClinVar:

NM_001330078.2(NRXN1):c.*1327C>G

Gene: NRXN1 (neurexin 1; minus strand). Cytogenetic location: 2p16.3.
Variant type: single nucleotide variant.
Coding change: c.*1327C>G on transcript NM_001330078.2 (MANE Select); 1327 bases downstream of the stop codon, C replaced by G.
Molecular consequence: 3 prime UTR variant.
Genome position (GRCh38, 1-based): chr2:49,920,617, G>C on the plus strand (C>G on the coding strand, the complement: NRXN1 is on the minus strand). VCF-style: chr2-49920617-G-C. GRCh37 (hg19) VCF-style: chr2-50147755-G-C.
Other names: c.*1327C>G (NM_001135659.3, NM_001320156.4, NM_001320157.4 and 17 more transcripts).
Identifiers: ClinVar variation 336518 (VCV000336518.6), dbSNP rs12998798, ClinGen allele CA10614103.

ClinVar aggregate classification (germline): Benign. Review status: criteria provided, multiple submitters, no conflicts (2 of 4 stars). 2 submissions from 2 submitters: Benign (2). Last evaluated 2018-01-12.

Conditions:
Pitt-Hopkins-like syndrome 2 (PTHSL2). Identifiers: Orphanet 221150, Orphanet 600663, MedGen C3280479, MONDO:0013690, OMIM 614325.

Allele frequency attached by ClinVar (database versions not stated): TOPMed 0.14706; 1000 Genomes Project 30x 0.15069; gnomAD 0.14393 and 0.14639; 1000 Genomes Project 0.15415; gnomAD exomes 0.23671.
gnomAD v4.1: 22,317 of 151,998 alleles (15%); highest among the groups gnomAD compares: East Asian, 23%; 2,103 homozygotes.

Submissions (2):

Illumina Laboratory Services, Illumina
Classification: Benign for Pitt-Hopkins-like syndrome 2. Last evaluated: 2018-01-12. Review status: criteria provided, single submitter. Criteria: ICSL Variant Classification Criteria 13 December 2019. Collection method: clinical testing. Allele origin: germline.
Comment: This variant was observed in the ICSL laboratory as part of a predisposition screen in an ostensibly healthy population. It had not been previously curated by ICSL or reported in the Human Gene Mutation Database (HGMD: prior to June 1st, 2018), and was therefore a candidate for classification through an automated scoring system. Utilizing variant allele frequency, disease prevalence and penetrance estimates, and inheritance mode, an automated score was calculated to assess if this variant is too frequent to cause the disease. Based on the score and internal cut-off values, a variant classified as benign is not then subjected to further curation. The score for this variant resulted in a classification of benign for this disease.

Breakthrough Genomics
Classification: Benign. Review status: criteria provided, single submitter. Criteria: ACMG Guidelines, 2015. Collection method: not provided. Allele origin: germline. Inheritance: Autosomal recessive inheritance. Affected: yes.